The following is an entry in ClinVar:

NM_004036.5(ADCY3):c.2839G>A (p.Glu947Lys)

Gene: ADCY3 (adenylate cyclase 3; minus strand). Cytogenetic location: 2p23.3.
Variant type: single nucleotide variant.
Coding change: c.2839G>A on transcript NM_004036.5 (MANE Select); coding-DNA position 2839, G replaced by A.
Protein change: p.Glu947Lys; replaces glutamic acid 947 with lysine.
Molecular consequence: missense variant. On other transcripts: intron variant (1).
Genome position (GRCh38, 1-based): chr2:24,823,253, C>T on the plus strand (G>A on the coding strand, the complement: ADCY3 is on the minus strand). VCF-style: chr2-24823253-C-T. GRCh37 (hg19) VCF-style: chr2-25046122-C-T.
Other names: c.2842G>A, p.Glu948Lys (NM_001320613.2); c.2905G>A, p.Glu969Lys (NM_001377128.1); c.2701G>A, p.Glu901Lys (NM_001377129.1); c.2116G>A, p.Glu706Lys (NM_001377131.1); c.2839G>A, p.Glu947Lys (NM_001377132.1); c.2332-623G>A (NM_001377130.1); short protein forms E706K, E947K, E948K, E901K, E969K.
Identifiers: ClinVar variation 5000537 (VCV005000537.1).

ClinVar aggregate classification (germline): Uncertain significance (1 of 4 stars; one submission).

Conditions:
ADCY3-related disorder. Also called: ADCY3-related condition.

Submission:

PreventionGenetics, part of Exact Sciences
Classification: Uncertain significance for ADCY3-related condition. Last evaluated: 2024-12-17. Review status: criteria provided, single submitter. Criteria: ACMG Guidelines, 2015. Collection method: clinical testing. Allele origin: germline.
Comment: The ADCY3 c.2842G>A variant is predicted to result in the amino acid substitution p.Glu948Lys. To our knowledge, this variant has not been reported in the literature or in a large population database (gnomAD), indicating this variant is rare. At this time, the clinical significance of this variant is uncertain due to the absence of conclusive functional and genetic evidence.